The following is an entry in ClinVar:

ClinVar aggregate classification (germline): Likely benign (1 of 4 stars; one submission).

gnomAD v4.1: 6 of 1,584,978 alleles (0.00038%); highest among the groups gnomAD compares: Admixed American, 0.0018%; no homozygotes.

Submission:

CeGaT Center for Human Genetics Tuebingen
Classification: Likely benign. Last evaluated: 2024-01-01. Review status: criteria provided, single submitter. Criteria: CeGaT Center For Human Genetics Tuebingen Variant Classification Criteria Version 2. Collection method: clinical testing. Allele origin: germline. Affected: yes. Observed: 1 variant allele.
Comment: EPS8L2: BP4, BP7

NM_022772.4(EPS8L2):c.2001G>A (p.Lys667=)

Genes: EPS8L2 (EPS8 signaling adaptor L2; plus strand), LOC130005081 (ATAC-STARR-seq lymphoblastoid silent region 3021; plus strand). Cytogenetic location: 11p15.5.
Variant type: single nucleotide variant.
Coding change: c.2001G>A on transcript NM_022772.4 (MANE Select); coding-DNA position 2001, G replaced by A.
Protein change: p.Lys667=; no amino-acid change (lysine 667 retained).
Molecular consequence: synonymous variant.
Genome position (GRCh38, 1-based): chr11:726,685, G>A. VCF-style: chr11-726685-G-A. GRCh37 (hg19) VCF-style: chr11-726685-G-A.
Identifiers: ClinVar variation 3025158 (VCV003025158.22), dbSNP rs202235680, ClinGen allele CA216943134.